The following is an entry in ClinVar:

ClinVar aggregate classification (germline): Benign. Review status: criteria provided, multiple submitters, no conflicts (2 of 4 stars). 5 submissions from 5 submitters: Benign (5). Last evaluated 2025-09-23.

Conditions:
SRC-related disorder. Also called: SRC-related condition.

Allele frequency attached by ClinVar (database versions not stated): gnomAD exomes 0.00055 and 0.00152; ExAC 0.00206; gnomAD 0.00556 and 0.00579; TOPMed 0.00628; ESP Exome Variant Server 0.00669; 1000 Genomes Project 0.00839; 1000 Genomes Project 30x 0.00968.
gnomAD v4.1: 1,671 of 1,613,934 alleles (0.1%); highest among the groups gnomAD compares: African/African-American, 2%; 29 homozygotes.

Submissions (5):

Mayo Clinic Laboratories, Mayo Clinic
Classification: Benign. Last evaluated: 2025-09-23. Review status: criteria provided, single submitter. Criteria: ACMG Guidelines, 2015. Collection method: clinical testing. Allele origin: germline. Observed: 1 variant allele.
Comment: BS1, BS2, BP4, BP7

PreventionGenetics, part of Exact Sciences
Classification: Benign for SRC-related condition. Last evaluated: 2024-11-14. Review status: criteria provided, single submitter. Criteria: ACMG Guidelines, 2015. Collection method: clinical testing. Allele origin: germline.
Comment: This variant is classified as benign based on ACMG/AMP sequence variant interpretation guidelines (Richards et al. 2015 PMID: 25741868, with internal and published modifications).

Labcorp Genetics (formerly Invitae), Labcorp
Classification: Benign. Last evaluated: 2019-12-31. Review status: criteria provided, single submitter. Criteria: Invitae Variant Classification Sherloc (09022015). Collection method: clinical testing. Allele origin: germline.

Genetic Services Laboratory, University of Chicago
Classification: Benign. Last evaluated: 2018-08-03. Review status: criteria provided, single submitter. Criteria: ACMG Guidelines, 2015. Collection method: clinical testing. Allele origin: germline. Affected: no.

Breakthrough Genomics
Classification: Benign. Review status: criteria provided, single submitter. Criteria: ACMG Guidelines, 2015. Collection method: not provided. Allele origin: germline. Inheritance: Autosomal dominant inheritance. Affected: yes.

NM_198291.3(SRC):c.1224T>C (p.Phe408=)

Gene: SRC (SRC proto-oncogene, non-receptor tyrosine kinase; plus strand). Cytogenetic location: 20q11.23.
Variant type: single nucleotide variant.
Coding change: c.1224T>C on transcript NM_198291.3 (MANE Select); coding-DNA position 1224, T replaced by C.
Protein change: p.Phe408=; no amino-acid change (phenylalanine 408 retained).
Molecular consequence: synonymous variant.
Genome position (GRCh38, 1-based): chr20:37,402,542, T>C. VCF-style: chr20-37402542-T-C. GRCh37 (hg19) VCF-style: chr20-36030945-T-C.
Other names: p.Phe408=; c.1224T>C, p.Phe408= (NM_005417.5).
Identifiers: ClinVar variation 734030 (VCV000734030.11), dbSNP rs112739878, ClinGen allele CA9847999.
Genomic context (GRCh38, chr20:37,402,542, plus strand): 5'-GGACCTTCGTGCAGCCAACATCCTGGTGGGAGAGAACCTGGTGTGCAAAGTGGCGGACTT[T>C]GGGCTGGCTCGGCTCATTGAAGACAATGAGTACACGGCGCGGCAAGGTGGGCAGGGGCTG-3'
Protein context (NP_938033.1, residues 398-418): GENLVCKVAD[Phe408=]GLARLIEDNE